The following is an entry in ClinVar:

ClinVar aggregate classification (germline): Uncertain significance (1 of 4 stars; one submission).

Submission:

Labcorp Genetics (formerly Invitae), Labcorp
Classification: Uncertain significance. Last evaluated: 2022-07-29. Review status: criteria provided, single submitter. Criteria: Invitae Variant Classification Sherloc (09022015). Collection method: clinical testing. Allele origin: germline.
Comment: This sequence change falls in intron 8 of the CUL3 gene. It does not directly change the encoded amino acid sequence of the CUL3 protein. This variant is not present in population databases (gnomAD no frequency). This variant has not been reported in the literature in individuals affected with CUL3-related conditions. Algorithms developed to predict the effect of sequence changes on RNA splicing suggest that this variant may disrupt the consensus splice site. In summary, the available evidence is currently insufficient to determine the role of this variant in disease. Therefore, it has been classified as a Variant of Uncertain Significance.

NM_003590.5(CUL3):c.1207-5T>G

Gene: CUL3 (cullin 3; minus strand). Cytogenetic location: 2q36.2.
Variant type: single nucleotide variant.
Coding change: c.1207-5T>G on transcript NM_003590.5 (MANE Select); 5 bases into the intron before coding-DNA position 1207, T replaced by G.
Molecular consequence: intron variant.
Genome position (GRCh38, 1-based): chr2:224,503,827, A>C on the plus strand (T>G on the coding strand, the complement: CUL3 is on the minus strand). VCF-style: chr2-224503827-A-C. GRCh37 (hg19) VCF-style: chr2-225368544-A-C.
Other names: c.1009-5T>G (NM_001257197.2); c.1225-5T>G (NM_001257198.2).
Identifiers: ClinVar variation 2020111 (VCV002020111.4), dbSNP rs199469652, ClinGen allele CA2580065810.
Genomic context (GRCh38, chr2:224,503,827, plus strand): 5'-AACCTAAAAAGGACCATTGCTTTATCCAATATTGTTTCTACTTCTTGTTCTGTTAGCTGC[A>C]AAATTAAGATGATGTAACAATTATACAATTTTAGTTCTACAAAAGCAGTACTACGGTTCA-3'